The following is an entry in ClinVar:

NM_001374259.2(IL12RB2):c.1875G>A (p.Ala625=)

Gene: IL12RB2 (interleukin 12 receptor subunit beta 2; plus strand). Cytogenetic location: 1p31.3.
Variant type: single nucleotide variant.
Coding change: c.1875G>A on transcript NM_001374259.2 (MANE Select); coding-DNA position 1875, G replaced by A.
Protein change: p.Ala625=; no amino-acid change (alanine 625 retained).
Molecular consequence: synonymous variant. On other transcripts: non-coding transcript variant (1), intron variant (1).
Genome position (GRCh38, 1-based): chr1:67,386,598, G>A. VCF-style: chr1-67386598-G-A. GRCh37 (hg19) VCF-style: chr1-67852281-G-A.
Other names: c.1875G>A, p.Ala625= (NM_001258214.1, NM_001319233.1, NM_001559.3); c.1617G>A, p.Ala539= (NM_001258215.1); c.1855+6475G>A (NM_001258216.1); c.1875G>A (NM_001559.2).
Identifiers: ClinVar variation 1592912 (VCV001592912.12), dbSNP rs773182032, ClinGen allele CA900599.

ClinVar aggregate classification (germline): Likely benign. Review status: criteria provided, multiple submitters, no conflicts (2 of 4 stars). 3 submissions from 3 submitters: Likely benign (2). 1 of the submissions does not count toward it. Last evaluated 2025-02-01.

Conditions:
IL12RB2-related disorder. Also called: IL12RB2-related condition.

Allele frequency attached by ClinVar (database versions not stated): ExAC 0.00002; gnomAD exomes 0.00002; TOPMed 0.00003; gnomAD 0.00005.
gnomAD v4.1: 68 of 1,613,042 alleles (0.0042%); highest among the groups gnomAD compares: Middle Eastern, 0.099%; no homozygotes.

Submissions (3):

Labcorp Genetics (formerly Invitae), Labcorp
Classification: Likely benign. Last evaluated: 2025-02-01. Review status: criteria provided, single submitter. Criteria: Invitae Variant Classification Sherloc (09022015). Collection method: clinical testing. Allele origin: germline.

Breakthrough Genomics
Classification: Likely benign. Review status: criteria provided, single submitter. Criteria: ACMG Guidelines, 2015. Collection method: not provided. Allele origin: germline. Inheritance: Unknown mechanism. Affected: yes.

PreventionGenetics, part of Exact Sciences
Classification: Likely benign for IL12RB2-related condition. Last evaluated: 2024-09-23. Review status: no assertion criteria provided. Collection method: clinical testing. Allele origin: germline. Not counted in ClinVar's aggregate classification.
Comment: This variant is classified as likely benign based on ACMG/AMP sequence variant interpretation guidelines (Richards et al. 2015 PMID: 25741868, with internal and published modifications).